The following is an entry in ClinVar:

ClinVar aggregate classification (germline): Uncertain significance (1 of 4 stars; one submission).

gnomAD v4.1: 4 of 1,614,106 alleles (0.00025%); highest among the groups gnomAD compares: African/African-American, 0.0053%; no homozygotes.

Submission:

Labcorp Genetics (formerly Invitae), Labcorp
Classification: Uncertain significance. Last evaluated: 2024-05-18. Review status: criteria provided, single submitter. Criteria: Invitae Variant Classification Sherloc (09022015). Collection method: clinical testing. Allele origin: germline.
Comment: This sequence change replaces glutamic acid, which is acidic and polar, with glycine, which is neutral and non-polar, at codon 185 of the DNAJC21 protein (p.Glu185Gly). This variant is present in population databases (rs745823347, gnomAD 0.02%). This variant has not been reported in the literature in individuals affected with DNAJC21-related conditions. An algorithm developed to predict the effect of missense changes on protein structure and function (PolyPhen-2) suggests that this variant is likely to be disruptive. In summary, the available evidence is currently insufficient to determine the role of this variant in disease. Therefore, it has been classified as a Variant of Uncertain Significance.

NM_001012339.3(DNAJC21):c.554A>G (p.Glu185Gly)

Gene: DNAJC21 (DnaJ heat shock protein family (Hsp40) member C21; plus strand). Cytogenetic location: 5p13.2.
Variant type: single nucleotide variant.
Coding change: c.554A>G on transcript NM_001012339.3 (MANE Select); coding-DNA position 554, A replaced by G.
Protein change: p.Glu185Gly; replaces glutamic acid 185 with glycine.
Molecular consequence: missense variant.
Genome position (GRCh38, 1-based): chr5:34,937,441, A>G. VCF-style: chr5-34937441-A-G. GRCh37 (hg19) VCF-style: chr5-34937546-A-G.
Other names: c.554A>G, p.Glu185Gly (NM_001348420.2, NM_194283.4); short protein forms E185G.
Identifiers: ClinVar variation 3700516 (VCV003700516.2).
Genomic context (GRCh38, chr5:34,937,441, plus strand): 5'-CATGGAAGGAAGAATATGATACACGACAGGCTTCAAACCGCTGGGAAAAACGAGCCATGG[A>G]AAAAGAAAACAAAAAGATTCGGGACAAAGCAAGGAAAGAGAAGAATGAGCTTGTCCGTCA-3'
Protein context (NP_001012339.2, residues 175-195): ASNRWEKRAM[Glu185Gly]KENKKIRDKA